The following is an entry in ClinVar:

ClinVar aggregate classification (germline): Pathogenic (0 of 4 stars; one submission).

Conditions:
Polycystic kidney disease. Also called: Polycystic kidney dysplasia; Kidney, Polycystic. Identifiers: MedGen C0022680, MeSH D007690, MONDO:0020642, HP:0000113.

Submission:

Department of Pathology and Laboratory Medicine, Sinai Health System
Classification: Pathogenic for Polycystic Kidney disease. Review status: no assertion criteria provided. Collection method: clinical testing. Allele origin: unknown. Affected: yes. Observed: 1 variant allele. Study: The Canadian Open Genetics Repository (COGR).
Comment: The PKD2 p.Tyr392X variant was not identified in the literature nor was it identified in the dbSNP, ClinVar, LOVD 3.0, ADPKD Mutation Database and PKD1-LOVD, database. The variant was not identified in the following control databases: the 1000 Genomes Project, the NHLBI GO Exome Sequencing Project, the Exome Aggregation Consortium (August 8th 2016), or the Genome Aggregation Database (Feb 27, 2017). The c.1176T>A variant leads to a premature stop codon at position 392 which is predicted to lead to a truncated or absent protein and loss of function. Loss of function variants of the PKD2 gene are an established mechanism of disease in ADPKD and is the type of variant expected to cause the disorder. In summary, based on the above information this variant meets our laboratoryâ€šÃ„Ã´s criteria to be classified as pathogenic.

NM_000297.4(PKD2):c.1176T>A (p.Tyr392Ter)

Gene: PKD2 (polycystin 2, transient receptor potential cation channel; plus strand). Cytogenetic location: 4q22.1.
Variant type: single nucleotide variant.
Coding change: c.1176T>A on transcript NM_000297.4 (MANE Select); coding-DNA position 1176, T replaced by A.
Protein change: p.Tyr392Ter; replaces tyrosine 392 with a stop codon.
Molecular consequence: nonsense. On other transcripts: non-coding transcript variant (1).
Genome position (GRCh38, 1-based): chr4:88,043,314, T>A. VCF-style: chr4-88043314-T-A. GRCh37 (hg19) VCF-style: chr4-88964466-T-A.
Other names: short protein forms Y392*.
Identifiers: ClinVar variation 997111 (VCV000997111.1), dbSNP rs924484889, ClinGen allele CA357615598.